The following is an entry in ClinVar:

ClinVar aggregate classification (germline): Likely benign. Review status: criteria provided, multiple submitters, no conflicts (2 of 4 stars). 2 submissions from 2 submitters: Likely benign (2). Last evaluated 2024-08-23.

Conditions:
RYR1-related disorder. Also called: RYR1-related condition; RYR1-related disorders. Identifiers: MedGen CN239331.
Malignant hyperthermia, susceptibility to, 1 (MHS1). Also called: Malignant hyperthermia suceptibility 1; Anesthesia related hyperthermia; Malignant hyperpyrexia; Fulminating hyperpyrexia; Pharmacogenic myopathy; RYR1-Related Malignant Hyperthermia Susceptibility. Identifiers: Orphanet 423, MedGen C2930980, MONDO:0007783, OMIM 145600.

Allele frequency attached by ClinVar (database versions not stated): gnomAD exomes 0.00001; TOPMed 0.00001.
gnomAD v4.1: 8 of 1,614,146 alleles (0.0005%); highest among the groups gnomAD compares: Non-Finnish European, 0.00068%; no homozygotes.

Submissions (2):

All of Us Research Program, National Institutes of Health
Classification: Likely benign for Malignant hyperthermia, susceptibility to, 1. Last evaluated: 2024-08-23. Review status: criteria provided, single submitter. Criteria: ACMG Guidelines, 2015. Collection method: clinical testing. Allele origin: germline. Inheritance: Autosomal dominant inheritance. Observed: 1 variant allele, 1 heterozygote.
Comment: This study involves interpretation of variants in research participants for the purpose of population health screening. Participant phenotype was not available at the time of variant classification. Additional details can be found in publication PMID: 35346344, PMCID: PMC8962531

Labcorp Genetics (formerly Invitae), Labcorp
Classification: Likely benign for RYR1-related disorder. Last evaluated: 2023-08-20. Review status: criteria provided, single submitter. Criteria: Invitae Variant Classification Sherloc (09022015). Collection method: clinical testing. Allele origin: germline.

NM_000540.3(RYR1):c.406C>T (p.Leu136=)

Gene: RYR1 (ryanodine receptor 1; plus strand). Cytogenetic location: 19q13.2.
Variant type: single nucleotide variant.
Coding change: c.406C>T on transcript NM_000540.3 (MANE Select); coding-DNA position 406, C replaced by T.
Protein change: p.Leu136=; no amino-acid change (leucine 136 retained).
Molecular consequence: synonymous variant.
Genome position (GRCh38, 1-based): chr19:38,443,778, C>T. VCF-style: chr19-38443778-C-T. GRCh37 (hg19) VCF-style: chr19-38934418-C-T.
Other names: c.406C>T, p.Leu136= (NM_001042723.2).
Identifiers: ClinVar variation 2906351 (VCV002906351.4), dbSNP rs1204269889, ClinGen allele CA507239283.